The following is an entry in ClinVar:

ClinVar aggregate classification (germline): Benign. Review status: criteria provided, single submitter (1 of 4 stars). 2 submissions from 2 submitters: Benign (1). 1 of the submissions does not count toward it. Last evaluated 2025-04-09.

Conditions:
NRAP-related disorder. Also called: NRAP-related condition.

Allele frequency attached by ClinVar (database versions not stated): gnomAD 0.01398; 1000 Genomes Project 0.01418; ESP Exome Variant Server 0.01461; 1000 Genomes Project 30x 0.01546.
gnomAD v4.1: 4,032 of 1,612,044 alleles (0.25%); highest among the groups gnomAD compares: African/African-American, 4.7%; 86 homozygotes.

Submissions (2):

Molecular Diagnostic Laboratory for Inherited Cardiovascular Disease, Montreal Heart Institute
Classification: Benign. Last evaluated: 2025-04-09. Review status: criteria provided, single submitter. Criteria: ACMG Guidelines, 2015. Collection method: clinical testing. Allele origin: germline. Affected: no.

PreventionGenetics, part of Exact Sciences
Classification: Benign for NRAP-related condition. Last evaluated: 2019-03-06. Review status: no assertion criteria provided. Collection method: clinical testing. Allele origin: germline. Not counted in ClinVar's aggregate classification.
Comment: This variant is classified as benign based on ACMG/AMP sequence variant interpretation guidelines (Richards et al. 2015 PMID: 25741868, with internal and published modifications).

NM_198060.4(NRAP):c.556C>G (p.Gln186Glu)

Gene: NRAP (nebulin related anchoring protein; minus strand). Cytogenetic location: 10q25.3.
Variant type: single nucleotide variant.
Coding change: c.556C>G on transcript NM_198060.4 (MANE Select); coding-DNA position 556, C replaced by G.
Protein change: p.Gln186Glu; replaces glutamine 186 with glutamic acid.
Molecular consequence: missense variant.
Genome position (GRCh38, 1-based): chr10:113,652,949, G>C on the plus strand (C>G on the coding strand, the complement: NRAP is on the minus strand). VCF-style: chr10-113652949-G-C. GRCh37 (hg19) VCF-style: chr10-115412708-G-C.
Other names: c.556C>G, p.Gln186Glu (NM_001261463.2, NM_001322945.2, NM_006175.5); c.556C>G (NM_198060.3); short protein forms Q186E.
Identifiers: ClinVar variation 3043669 (VCV003043669.3), dbSNP rs35049661, ClinGen allele CA5695892.
Genomic context (GRCh38, chr10:113,652,949, plus strand): 5'-ACAAAAATTAGCATAATCAATGGTGAAAAAGCACCCAGGCACTCACTTGGCTGGCCAGCT[G>C]GTTGGCTTTCTTGGCCCTTTGATAAGCAGGTGTGATCATGGCTGGAAAGCTCCCCTTGCC-3'
Protein context (NP_932326.2, residues 176-196): PAYQRAKKAN[Gln186Glu]LASQVEYKRG